The following is an entry in ClinVar:

NM_033310.3(KCNK4):c.731C>T (p.Ala244Val)

Genes: KCNK4 (potassium two pore domain channel subfamily K member 4; plus strand), KCNK4-CATSPERZ (KCNK4-CATSPERZ readthrough (NMD candidate); plus strand). Cytogenetic location: 11q13.1.
Variant type: single nucleotide variant.
Coding change: c.731C>T on transcript NM_033310.3 (MANE Select); coding-DNA position 731, C replaced by T.
Protein change: p.Ala244Val; replaces alanine 244 with valine.
Molecular consequence: missense variant. On other transcripts: non-coding transcript variant (3).
Genome position (GRCh38, 1-based): chr11:64,298,179, C>T. VCF-style: chr11-64298179-C-T. GRCh37 (hg19) VCF-style: chr11-64065651-C-T.
Other names: c.731C>T, p.Ala244Val (NM_001317090.2, NM_033311.1); short protein forms A244V.
Identifiers: ClinVar variation 2001967 (VCV002001967.4), dbSNP rs2495694659, ClinGen allele CA381066210.
Genomic context (GRCh38, chr11:64,298,179, plus strand): 5'-CCAGGCAGGACTCCCCGGCCTATCAGCCGCTGGTGTGGTTCTGGATCCTGCTCGGCCTGG[C>T]TTACTTCGCCTCAGTGCTCACCACCATCGGGAACTGGCTGCGAGTAGTGTCCCGCCGCAC-3'
Protein context (NP_201567.1, residues 234-254): LVWFWILLGL[Ala244Val]YFASVLTTIG

ClinVar aggregate classification (germline): Uncertain significance (1 of 4 stars; one submission).

Submission:

Labcorp Genetics (formerly Invitae), Labcorp
Classification: Uncertain significance. Last evaluated: 2023-07-07. Review status: criteria provided, single submitter. Criteria: Invitae Variant Classification Sherloc (09022015). Collection method: clinical testing. Allele origin: germline.
Comment: ClinVar contains an entry for this variant (Variation ID: 2001967). This sequence change replaces alanine, which is neutral and non-polar, with valine, which is neutral and non-polar, at codon 244 of the KCNK4 protein (p.Ala244Val). This variant is not present in population databases (gnomAD no frequency). This variant has not been reported in the literature in individuals affected with KCNK4-related conditions. An algorithm developed to predict the effect of missense changes on protein structure and function (PolyPhen-2) suggests that this variant is likely to be disruptive. This variant disrupts the p.Ala244 amino acid residue in KCNK4. Other variant(s) that disrupt this residue have been determined to be pathogenic (PMID: 30290154). This suggests that this residue is clinically significant, and that variants that disrupt this residue are likely to be disease-causing. In summary, the available evidence is currently insufficient to determine the role of this variant in disease. Therefore, it has been classified as a Variant of Uncertain Significance.

Literature cited by the submitters: PubMed 30290154.